The following is an entry in ClinVar:

ClinVar aggregate classification (germline): Uncertain significance (1 of 4 stars; one submission).

Submission:

Labcorp Genetics (formerly Invitae), Labcorp
Classification: Uncertain significance. Last evaluated: 2025-12-03. Review status: criteria provided, single submitter. Criteria: Invitae Variant Classification Sherloc (09022015). Collection method: clinical testing. Allele origin: germline.
Comment: This sequence change replaces glycine, which is neutral and non-polar, with glutamic acid, which is acidic and polar, at codon 515 of the BUB1 protein (p.Gly515Glu). This variant is not present in population databases (gnomAD no frequency). This variant has not been reported in the literature in individuals affected with BUB1-related conditions. Experimental studies and prediction algorithms are not available or were not evaluated, and the functional significance of this variant is currently unknown. In summary, the available evidence is currently insufficient to determine the role of this variant in disease. Therefore, it has been classified as a Variant of Uncertain Significance.

NM_004336.5(BUB1):c.1544G>A (p.Gly515Glu)

Gene: BUB1 (BUB1 mitotic checkpoint serine/threonine kinase; minus strand). Cytogenetic location: 2q13.
Variant type: single nucleotide variant.
Coding change: c.1544G>A on transcript NM_004336.5 (MANE Select); coding-DNA position 1544, G replaced by A.
Protein change: p.Gly515Glu; replaces glycine 515 with glutamic acid.
Molecular consequence: missense variant.
Genome position (GRCh38, 1-based): chr2:110,657,618, C>T on the plus strand (G>A on the coding strand, the complement: BUB1 is on the minus strand). VCF-style: chr2-110657618-C-T. GRCh37 (hg19) VCF-style: chr2-111415195-C-T.
Other names: c.1484G>A, p.Gly495Glu (NM_001278616.2); c.1544G>A, p.Gly515Glu (NM_001278617.2); short protein forms G515E, G495E.
Identifiers: ClinVar variation 4732476 (VCV004732476.1).